The following is an entry in ClinVar:

ClinVar aggregate classification (germline): Pathogenic (1 of 4 stars; one submission).

Conditions:
LAMB2-related infantile-onset nephrotic syndrome. Also called: NEPHROTIC SYNDROME, TYPE 5, WITHOUT OCULAR ABNORMALITIES; NEPHROTIC SYNDROME, TYPE 5, WITH OCULAR ABNORMALITIES; Nephrotic Syndrome, type 5. Identifiers: Orphanet 306507, MedGen C3280113, MONDO:0013621, OMIM 614199.
Pierson syndrome. Also called: MICROCORIA-CONGENITAL NEPHROTIC SYNDROME. Identifiers: Orphanet 2670, MedGen C1836876, MONDO:0012184, OMIM 609049.

Submission:

Labcorp Genetics (formerly Invitae), Labcorp
Classification: Pathogenic for LAMB2-related infantile-onset nephrotic syndrome; Pierson syndrome. Last evaluated: 2022-11-23. Review status: criteria provided, single submitter. Criteria: Invitae Variant Classification Sherloc (09022015). Collection method: clinical testing. Allele origin: germline.
Comment: For these reasons, this variant has been classified as Pathogenic. This variant has not been reported in the literature in individuals affected with LAMB2-related conditions. This variant is not present in population databases (gnomAD no frequency). This sequence change creates a premature translational stop signal (p.Cys1173Leufs*2) in the LAMB2 gene. It is expected to result in an absent or disrupted protein product. Loss-of-function variants in LAMB2 are known to be pathogenic (PMID: 15367484).

Literature cited by the submitters: PubMed 15367484.

NM_002292.4(LAMB2):c.3517dup (p.Cys1173fs)

Gene: LAMB2 (laminin subunit beta 2; minus strand). Cytogenetic location: 3p21.31.
Variant type: Duplication.
Coding change: c.3517dup on transcript NM_002292.4 (MANE Select); coding-DNA position 3517, one base duplicated (T; older notation c.3517dupT).
Protein change: p.Cys1173fs; shifts the reading frame from cysteine 1173.
Molecular consequence: frameshift variant.
Genome position (GRCh38, 1-based): chr3:49,124,008, A duplicated on the plus strand (T on the coding strand, the reverse complement: LAMB2 is on the minus strand). VCF-style (leftmost placement, unchanged base first): chr3-49124007-C-CA. GRCh37 (hg19) VCF-style: chr3-49161440-C-CA.
Other names: short protein forms C1173fs.
Identifiers: ClinVar variation 2941787 (VCV002941787.3), dbSNP rs2472537403, ClinGen allele CA2740094439.